The following is an entry in ClinVar:

ClinVar aggregate classification (germline): Uncertain significance (1 of 4 stars; one submission).

Conditions:
Hereditary cancer-predisposing syndrome. Also called: Hereditary Cancer Syndrome; Hereditary neoplastic syndrome; Neoplastic Syndromes, Hereditary; Tumor predisposition. Identifiers: Orphanet 140162, MedGen C0027672, MeSH D009386, MONDO:0015356.

Submission:

Ambry Genetics
Classification: Uncertain significance for Hereditary cancer-predisposing syndrome. Last evaluated: 2026-08-17. Review status: criteria provided, single submitter. Criteria: Ambry Variant Classification Scheme 2023. Collection method: clinical testing. Allele origin: germline.
Comment: The p.G92R variant (also known as c.274G>A), located in coding exon 3 of the BMPR1A gene, results from a G to A substitution at nucleotide position 274. The glycine at codon 92 is replaced by arginine, an amino acid with dissimilar properties. This amino acid position is highly conserved in available vertebrate species. In addition, this alteration is predicted to be deleterious by in silico analysis. Based on the available evidence, the clinical significance of this variant remains unclear.

NM_004329.3(BMPR1A):c.274G>A (p.Gly92Arg)

Gene: BMPR1A (bone morphogenetic protein receptor type 1A; plus strand). Cytogenetic location: 10q23.2.
Variant type: single nucleotide variant.
Coding change: c.274G>A on transcript NM_004329.3 (MANE Select); coding-DNA position 274, G replaced by A.
Protein change: p.Gly92Arg; replaces glycine 92 with arginine.
Molecular consequence: missense variant.
Genome position (GRCh38, 1-based): chr10:86,892,170, G>A. VCF-style: chr10-86892170-G-A. GRCh37 (hg19) VCF-style: chr10-88651927-G-A.
Other names: c.190G>A, p.Gly64Arg (NM_001406587.1, NM_001406588.1, NM_001406584.1 and 2 more transcripts); c.274G>A, p.Gly92Arg (NM_001406589.1, NM_001406559.1, NM_001406560.1 and 23 more transcripts); short protein forms G64R, G92R.
Identifiers: ClinVar variation 1795540 (VCV001795540.3), dbSNP rs1843160838, ClinGen allele CA377448091.